The following is an entry in ClinVar:

NM_001042603.3(KDM5A):c.4125T>C (p.Cys1375=)

Gene: KDM5A (lysine demethylase 5A; minus strand). Cytogenetic location: 12p13.33.
Variant type: single nucleotide variant.
Coding change: c.4125T>C on transcript NM_001042603.3 (MANE Select); coding-DNA position 4125, T replaced by C.
Protein change: p.Cys1375=; no amino-acid change (cysteine 1375 retained).
Molecular consequence: synonymous variant.
Genome position (GRCh38, 1-based): chr12:297,150, A>G on the plus strand (T>C on the coding strand, the complement: KDM5A is on the minus strand). VCF-style: chr12-297150-A-G. GRCh37 (hg19) VCF-style: chr12-406316-A-G.
Identifiers: ClinVar variation 4875271 (VCV004875271.2).
Genomic context (GRCh38, chr12:297,150, plus strand): 5'-TGAAGGTGCTGTCCACATGTGGGTCACCACCTCCTCGGATTTGATGGGAATCTCTTCATC[A>G]CAAAAAAGATTGGGTTCAAGACTACTAGAGGACTTCACACTGGCTGTGTCCTGAAGAAGA-3'
Protein context (NP_001036068.1, residues 1365-1385): SSSSLEPNLF[Cys1375=]DEEIPIKSEE

ClinVar aggregate classification (germline): Likely benign (1 of 4 stars; one submission).

Submission:

CeGaT Center for Human Genetics Tuebingen
Classification: Likely benign. Last evaluated: 2026-06-01. Review status: criteria provided, single submitter. Criteria: CeGaT Center For Human Genetics Tuebingen Variant Classification Criteria Version 2. Collection method: clinical testing. Allele origin: germline. Affected: yes. Observed: 1 variant allele.
Comment: KDM5A: PM2:Supporting, BP4, BP7